The following is an entry in ClinVar:

ClinVar aggregate classification (germline): Likely pathogenic. Review status: criteria provided, single submitter (1 of 4 stars). 2 submissions from 2 submitters: Likely pathogenic (1). 1 of the submissions does not count toward it. Last evaluated 2019-12-29.

Conditions:
Alport syndrome. Also called: Hemorrhagic familial nephritis; Hemorrhagic hereditary nephritis; Congenital hereditary hematuria. Identifiers: Orphanet 63, MedGen C1567741, MONDO:0018965.

Submissions (2):

Labcorp Genetics (formerly Invitae), Labcorp
Classification: Likely pathogenic. Last evaluated: 2019-12-29. Review status: criteria provided, single submitter. Criteria: Invitae Variant Classification Sherloc (09022015). Collection method: clinical testing. Allele origin: germline.
Comment: In summary, the currently available evidence indicates that the variant is pathogenic, but additional data are needed to prove that conclusively. Therefore, this variant has been classified as Likely Pathogenic. This variant disrupts the p.Arg1661 amino acid residue in COL4A3. Other variant(s) that disrupt this residue have been determined to be pathogenic (PMID: 24052634, 26809805, 11134255). This suggests that this residue is clinically significant, and that variants that disrupt this residue are likely to be disease-causing. This variant has not been reported in the literature in individuals with COL4A3-related conditions. This variant is not present in population databases (ExAC no frequency). This sequence change results in a premature translational stop signal in the COL4A3 gene (p.Ile1658Asnfs*39). While this is not anticipated to result in nonsense mediated decay, it is expected to disrupt the last 13 amino acids of the COL4A3 protein.

Natera, Inc.
Classification: Likely pathogenic for Alport syndrome. Last evaluated: 2020-09-16. Review status: no assertion criteria provided. Collection method: clinical testing. Allele origin: germline. Not counted in ClinVar's aggregate classification.

Literature cited by the submitters: PubMed 24052634 (cited by Labcorp Genetics (formerly Invitae), Labcorp); PubMed 26809805 (cited by Labcorp Genetics (formerly Invitae), Labcorp); PubMed 11134255 (cited by Labcorp Genetics (formerly Invitae), Labcorp).

NM_000091.5(COL4A3):c.4972dup (p.Ile1658fs)

Genes: COL4A3 (collagen type IV alpha 3 chain; plus strand), MFF-DT (MFF divergent transcript; minus strand). Cytogenetic location: 2q36.3.
Variant type: Duplication.
Coding change: c.4972dup on transcript NM_000091.5 (MANE Select); coding-DNA position 4972, one base duplicated (A; older notation c.4972dupA).
Protein change: p.Ile1658fs; shifts the reading frame from isoleucine 1658.
Molecular consequence: frameshift variant.
Genome position (GRCh38, 1-based): chr2:227,311,829, A duplicated; the last of 6 consecutive A bases (chr2:227,311,824-227,311,829); duplicating any one gives the same sequence. VCF-style (leftmost placement, unchanged base first): chr2-227311823-G-GA. GRCh37 (hg19) VCF-style: chr2-228176539-G-GA.
Other names: c.4972dupA (NM_000091.4); short protein forms I1658fs.
Identifiers: ClinVar variation 858898 (VCV000858898.12), dbSNP rs2073752422, ClinGen allele CA916080312.